The following is an entry in ClinVar:

ClinVar aggregate classification (germline): Uncertain significance (1 of 4 stars; one submission).

Conditions:
Cardiomyopathy (CMYO). Also called: Cardiomyopathies. Identifiers: Orphanet 167848, MedGen C0878544, MONDO:0004994, HP:0001638. Inheritance: Various modes of inheritance.

Submission:

Color Diagnostics, LLC DBA Color Health
Classification: Uncertain significance for Cardiomyopathy. Last evaluated: 2019-03-15. Review status: criteria provided, single submitter. Criteria: ACMG Guidelines, 2015. Collection method: clinical testing. Allele origin: germline.
Comment: This variant inserts 10 nucleotides in exon 15 of the MYH7 gene, creating a frameshift and premature translation stop signal. This variant is expected to result in an absent or non-functional protein product. Computational splicing tools suggest that this variant may not impact RNA splicing. To our knowledge, functional assays have not been performed for this variant nor has this variant been reported in individuals affected with cardiovascular disorders in the literature. This variant is rare in the general population and has been identified in 0/277264 chromosomes by the Genome Aggregation Database (gnomAD). Disease-causing variants in MYH7 are mostly missense variants that act in a dominant-negative manner. The role of MYH7 truncation variants in cardiomyopathy is not clearly established. The available evidence is insufficient to determine the role of this variant in disease conclusively. Therefore, this variant is classified as a Variant of Uncertain Significance.

NM_000257.4(MYH7):c.1463_1464insGGTGCAGTGG (p.Phe488fs)

Gene: MYH7 (myosin heavy chain 7; minus strand). Cytogenetic location: 14q11.2.
Variant type: Insertion.
Coding change: c.1463_1464insGGTGCAGTGG on transcript NM_000257.4 (MANE Select); coding-DNA positions 1463 to 1464, GGTGCAGTGG inserted.
Protein change: p.Phe488fs; shifts the reading frame from phenylalanine 488.
Molecular consequence: frameshift variant.
Genome position: GRCh38 VCF-style: chr14-23428614-G-GCCACTGCACC. GRCh37 (hg19) VCF-style: chr14-23897823-G-GCCACTGCACC.
Other names: short protein forms F488fs.
Identifiers: ClinVar variation 922207 (VCV000922207.3), dbSNP rs1892794319, ClinGen allele CA913188620.